The following is an entry in ClinVar:

NM_001035.3(RYR2):c.14242A>G (p.Met4748Val)

Gene: RYR2 (ryanodine receptor 2; plus strand). Cytogenetic location: 1q43.
Variant type: single nucleotide variant.
Coding change: c.14242A>G on transcript NM_001035.3 (MANE Select); coding-DNA position 14242, A replaced by G.
Protein change: p.Met4748Val; replaces methionine 4748 with valine.
Molecular consequence: missense variant.
Genome position (GRCh38, 1-based): chr1:237,806,227, A>G. VCF-style: chr1-237806227-A-G. GRCh37 (hg19) VCF-style: chr1-237969527-A-G.
Other names: short protein forms M4748V.
Identifiers: ClinVar variation 5008203 (VCV005008203.1).

ClinVar aggregate classification (germline): Uncertain significance (1 of 4 stars; one submission).

Submission:

GeneDx
Classification: Uncertain significance. Last evaluated: 2026-02-27. Review status: criteria provided, single submitter. Criteria: GeneDx Variant Classification Process June 2021. Collection method: clinical testing. Allele origin: germline.
Comment: Not observed at significant frequency in large population cohorts (gnomAD); In silico analysis supports that this missense variant has a deleterious effect on protein structure/function; Has not been previously published as pathogenic or benign to our knowledge; Located in one of the three hot-spot regions of the RYR2 gene, where the majority of pathogenic missense variants occur (PMID: 19926015); This variant is associated with the following publications: (PMID: 19926015)